The following is an entry in ClinVar:

ClinVar aggregate classification (germline): Uncertain significance (1 of 4 stars; one submission).

Allele frequency attached by ClinVar (database versions not stated): gnomAD 0.00001 and 0.00005; gnomAD exomes 0.00002 and 0.00003; TOPMed 0.00002; ExAC 0.00004.
gnomAD v4.1: 41 of 1,614,078 alleles (0.0025%); highest among the groups gnomAD compares: Middle Eastern, 0.099%; no homozygotes.

Submission:

Labcorp Genetics (formerly Invitae), Labcorp
Classification: Uncertain significance. Last evaluated: 2022-06-05. Review status: criteria provided, single submitter. Criteria: Invitae Variant Classification Sherloc (09022015). Collection method: clinical testing. Allele origin: germline.
Comment: In summary, the available evidence is currently insufficient to determine the role of this variant in disease. Therefore, it has been classified as a Variant of Uncertain Significance. Algorithms developed to predict the effect of missense changes on protein structure and function (SIFT, PolyPhen-2, Align-GVGD) all suggest that this variant is likely to be disruptive. ClinVar contains an entry for this variant (Variation ID: 1404369). This variant has not been reported in the literature in individuals affected with CEP63-related conditions. This variant is present in population databases (rs762027715, gnomAD 0.005%). This sequence change replaces glutamine, which is neutral and polar, with arginine, which is basic and polar, at codon 164 of the CEP63 protein (p.Gln164Arg).

NM_001353108.3(CEP63):c.491A>G (p.Gln164Arg)

Gene: CEP63 (centrosomal protein 63; plus strand). Cytogenetic location: 3q22.2.
Variant type: single nucleotide variant.
Coding change: c.491A>G on transcript NM_001353108.3 (MANE Select); coding-DNA position 491, A replaced by G.
Protein change: p.Gln164Arg; replaces glutamine 164 with arginine.
Molecular consequence: missense variant. On other transcripts: non-coding transcript variant (4).
Genome position (GRCh38, 1-based): chr3:134,537,204, A>G. VCF-style: chr3-134537204-A-G. GRCh37 (hg19) VCF-style: chr3-134256046-A-G.
Other names: c.491A>G, p.Gln164Arg (NM_001042383.2, NM_001042384.2, NM_001042400.3 and 13 more transcripts); c.518A>G, p.Gln173Arg (NM_001353118.1); c.407A>G, p.Gln136Arg (NM_001353125.2); c.128A>G, p.Gln43Arg (NM_001353126.2); short protein forms Q43R, Q136R, Q164R, Q173R.
Identifiers: ClinVar variation 1404369 (VCV001404369.6), dbSNP rs762027715, ClinGen allele CA2628391.